The following is an entry in ClinVar:

ClinVar aggregate classification (germline): Likely benign. Review status: criteria provided, multiple submitters, no conflicts (2 of 4 stars). 2 submissions from 2 submitters: Likely benign (2). Last evaluated 2026-05-13.

Conditions:
Neurofibromatosis, type 1 (NF1). Also called: VON RECKLINGHAUSEN DISEASE; NEUROFIBROMATOSIS, TYPE I, SOMATIC; Neurofibromatosis, type I; Peripheral type neurofibromatosis. Identifiers: Orphanet 636, MedGen C0027831, MONDO:0018975, OMIM 162200. Disease mechanism: loss of function.

Submissions (2):

Myriad Genetics, Inc.
Classification: Likely benign for Neurofibromatosis, type 1. Last evaluated: 2026-05-13. Review status: criteria provided, single submitter. Criteria: Myriad Autosomal Dominant, Autosomal Recessive and X-Linked Classification Criteria (2023). Collection method: clinical testing. Allele origin: unknown.
Comment: This variant is considered likely benign. This variant is intronic and is not expected to impact mRNA splicing.

Labcorp Genetics (formerly Invitae), Labcorp
Classification: Likely benign for Neurofibromatosis, type 1. Last evaluated: 2024-11-13. Review status: criteria provided, single submitter. Criteria: Invitae Variant Classification Sherloc (09022015). Collection method: clinical testing. Allele origin: germline.

NM_001042492.3(NF1):c.4578-6A>G

Gene: NF1 (neurofibromin 1; plus strand). Cytogenetic location: 17q11.2.
Variant type: single nucleotide variant.
Coding change: c.4578-6A>G on transcript NM_001042492.3 (MANE Select); 6 bases into the intron before coding-DNA position 4578, A replaced by G.
Molecular consequence: intron variant.
Genome position (GRCh38, 1-based): chr17:31,261,705, A>G. VCF-style: chr17-31261705-A-G. GRCh37 (hg19) VCF-style: chr17-29588723-A-G.
Other names: c.4515-6A>G (NM_000267.4).
Identifiers: ClinVar variation 2894154 (VCV002894154.4), dbSNP rs2151466161, ClinGen allele CA2739267406.